The following is an entry in ClinVar:

NM_000400.4(ERCC2):c.1255G>A (p.Glu419Lys)

Gene: ERCC2 (ERCC excision repair 2, TFIIH core complex helicase subunit; minus strand). Cytogenetic location: 19q13.32.
Variant type: single nucleotide variant.
Coding change: c.1255G>A on transcript NM_000400.4 (MANE Select); coding-DNA position 1255, G replaced by A.
Protein change: p.Glu419Lys; replaces glutamic acid 419 with lysine.
Molecular consequence: missense variant.
Genome position (GRCh38, 1-based): chr19:45,357,682, C>T on the plus strand (G>A on the coding strand, the complement: ERCC2 is on the minus strand). VCF-style: chr19-45357682-C-T. GRCh37 (hg19) VCF-style: chr19-45860940-C-T.
Other names: short protein forms E419K.
Identifiers: ClinVar variation 2174198 (VCV002174198.2), dbSNP rs574002154, ClinGen allele CA9513395.

ClinVar aggregate classification (germline): Uncertain significance. Review status: criteria provided, multiple submitters, no conflicts (2 of 4 stars). 2 submissions from 2 submitters: Uncertain significance (2). Last evaluated 2025-09-25.

Conditions:
Inborn genetic diseases. Identifiers: MedGen C0950123, MeSH D030342.

Allele frequency attached by ClinVar (database versions not stated): 1000 Genomes Project 30x 0.00062; ExAC 0.00009; 1000 Genomes Project 0.00060; gnomAD exomes 0.00004.
gnomAD v4.1: 75 of 1,613,786 alleles (0.0046%); highest among the groups gnomAD compares: South Asian, 0.043%; no homozygotes.

Submissions (2):

Ambry Genetics
Classification: Uncertain significance for Inborn genetic diseases. Last evaluated: 2025-09-25. Review status: criteria provided, single submitter. Criteria: Ambry Variant Classification Scheme 2023. Collection method: clinical testing. Allele origin: germline.

Labcorp Genetics (formerly Invitae), Labcorp
Classification: Uncertain significance. Last evaluated: 2022-07-01. Review status: criteria provided, single submitter. Criteria: Invitae Variant Classification Sherloc (09022015). Collection method: clinical testing. Allele origin: germline.
Comment: This sequence change replaces glutamic acid, which is acidic and polar, with lysine, which is basic and polar, at codon 419 of the ERCC2 protein (p.Glu419Lys). This variant is present in population databases (rs574002154, gnomAD 0.06%). This variant has not been reported in the literature in individuals affected with ERCC2-related conditions. Algorithms developed to predict the effect of missense changes on protein structure and function are either unavailable or do not agree on the potential impact of this missense change (SIFT: "Deleterious"; PolyPhen-2: "Probably Damaging"; Align-GVGD: "Class C0"). In summary, the available evidence is currently insufficient to determine the role of this variant in disease. Therefore, it has been classified as a Variant of Uncertain Significance.